The following is an entry in ClinVar:

NM_030662.4(MAP2K2):c.674A>T (p.Asn225Ile)

Gene: MAP2K2 (mitogen-activated protein kinase kinase 2; minus strand). Cytogenetic location: 19p13.3.
Variant type: single nucleotide variant.
Coding change: c.674A>T on transcript NM_030662.4 (MANE Select); coding-DNA position 674, A replaced by T.
Protein change: p.Asn225Ile; replaces asparagine 225 with isoleucine.
Molecular consequence: missense variant.
Genome position (GRCh38, 1-based): chr19:4,101,050, T>A on the plus strand (A>T on the coding strand, the complement: MAP2K2 is on the minus strand). VCF-style: chr19-4101050-T-A. GRCh37 (hg19) VCF-style: chr19-4101048-T-A.
Other names: short protein forms N225I.
Identifiers: ClinVar variation 2851168 (VCV002851168.3), dbSNP rs1288061001, ClinGen allele CA403388412.

ClinVar aggregate classification (germline): Uncertain significance (1 of 4 stars; one submission).

Conditions:
RASopathy. Also called: rasopathies; Noonan spectrum disorder. Identifiers: Orphanet 536391, MedGen C5555857, MONDO:0021060.

Submission:

Labcorp Genetics (formerly Invitae), Labcorp
Classification: Uncertain significance for RASopathy. Last evaluated: 2023-11-19. Review status: criteria provided, single submitter. Criteria: Invitae Variant Classification Sherloc (09022015). Collection method: clinical testing. Allele origin: germline.
Comment: This sequence change replaces asparagine, which is neutral and polar, with isoleucine, which is neutral and non-polar, at codon 225 of the MAP2K2 protein (p.Asn225Ile). This variant is present in population databases (no rsID available, gnomAD 0.004%). This variant has not been reported in the literature in individuals affected with MAP2K2-related conditions. Advanced modeling of protein sequence and biophysical properties (such as structural, functional, and spatial information, amino acid conservation, physicochemical variation, residue mobility, and thermodynamic stability) has been performed at Invitae for this missense variant, however the output from this modeling did not meet the statistical confidence thresholds required to predict the impact of this variant on MAP2K2 protein function. In summary, the available evidence is currently insufficient to determine the role of this variant in disease. Therefore, it has been classified as a Variant of Uncertain Significance.